The following is an entry in ClinVar:

NM_170665.4(ATP2A2):c.2697G>T (p.Ala899=)

Genes: ATP2A2 (ATPase sarcoplasmic/endoplasmic reticulum Ca2+ transporting 2; plus strand), LOC126861638 (MED14-independent group 3 enhancer GRCh37_chr12:110782389-110783588; plus strand). Cytogenetic location: 12q24.11.
Variant type: single nucleotide variant.
Coding change: c.2697G>T on transcript NM_170665.4 (MANE Select); coding-DNA position 2697, G replaced by T.
Protein change: p.Ala899=; no amino-acid change (alanine 899 retained).
Molecular consequence: synonymous variant.
Genome position (GRCh38, 1-based): chr12:110,345,338, G>T. VCF-style: chr12-110345338-G-T. GRCh37 (hg19) VCF-style: chr12-110783143-G-T.
Other names: c.2592G>T, p.Ala864= (NM_001413013.1); c.2697G>T, p.Ala899= (NM_001413014.1, NM_001681.4); c.2322G>T, p.Ala774= (NM_001413015.1); c.2697G>T (NM_001681.3).
Identifiers: ClinVar variation 2046508 (VCV002046508.7), dbSNP rs117494432, ClinGen allele CA6784179.

ClinVar aggregate classification (germline): Benign. Review status: criteria provided, single submitter (1 of 4 stars). 2 submissions from 2 submitters: Benign (1). 1 of the submissions does not count toward it. Last evaluated 2025-10-06.

Conditions:
ATP2A2-related disorder. Also called: ATP2A2-related condition; ATP2A2-Related Disorders.

Allele frequency attached by ClinVar (database versions not stated): 1000 Genomes Project 0.00020; 1000 Genomes Project 30x 0.00031; ESP Exome Variant Server 0.00054.
gnomAD v4.1: 1,126 of 1,614,176 alleles (0.07%); highest among the groups gnomAD compares: Non-Finnish European, 0.086%; no homozygotes.

Submissions (3):

Labcorp Genetics (formerly Invitae), Labcorp
Classification: Benign. Last evaluated: 2025-10-06. Review status: criteria provided, single submitter. Criteria: Invitae Variant Classification Sherloc (09022015). Collection method: clinical testing. Allele origin: germline.

PreventionGenetics, part of Exact Sciences
Classification: Likely benign for ATP2A2-related condition. Last evaluated: 2019-09-03. Review status: no assertion criteria provided. Collection method: clinical testing. Allele origin: germline. Not counted in ClinVar's aggregate classification.
Comment: This variant is classified as likely benign based on ACMG/AMP sequence variant interpretation guidelines (Richards et al. 2015 PMID: 25741868, with internal and published modifications).

Dr. Peter K. Rogan Lab, Western University
No classification provided (evidence only). Condition: Lung cancer. Review status: no classification provided. Collection method: in vitro. Allele origin: not applicable. Functional consequence: retained intron. Not counted in ClinVar's aggregate classification.